The following is an entry in ClinVar:

ClinVar aggregate classification (germline): Uncertain significance (1 of 4 stars; one submission).

Conditions:
Neurodevelopmental disorder with microcephaly and movement abnormalities (NEDMIM). Identifiers: MedGen C5830624, MONDO:0957531, OMIM 620445.

Submission:

Juno Genomics, Hangzhou Juno Genomics, Inc
Classification: Uncertain significance for Neurodevelopmental disorder with microcephaly and movement abnormalities. Review status: criteria provided, single submitter. Criteria: ACMG Guidelines, 2015. Collection method: clinical testing. Allele origin: germline.
Comment: Absent from controls (or at extremely low frequency if recessive) in Genome Aggregation Database.;Multiple lines of computational evidence support a deleterious effect on the gene or gene product.

NM_001303457.2(TTI1):c.2960T>C (p.Leu987Ser)

Gene: TTI1 (TELO2 interacting protein 1; minus strand). Cytogenetic location: 20q11.23.
Variant type: single nucleotide variant.
Coding change: c.2960T>C on transcript NM_001303457.2 (MANE Select); coding-DNA position 2960, T replaced by C.
Protein change: p.Leu987Ser; replaces leucine 987 with serine.
Molecular consequence: missense variant.
Genome position (GRCh38, 1-based): chr20:37,996,787, A>G on the plus strand (T>C on the coding strand, the complement: TTI1 is on the minus strand). VCF-style: chr20-37996787-A-G. GRCh37 (hg19) VCF-style: chr20-36625189-A-G.
Other names: c.2960T>C, p.Leu987Ser (NM_014657.3); short protein forms L987S.
Identifiers: ClinVar variation 5006375 (VCV005006375.2).